The following is an entry in ClinVar:

NM_145798.3(OSBPL7):c.1722C>T (p.Arg574=)

Gene: OSBPL7 (oxysterol binding protein like 7; minus strand). Cytogenetic location: 17q21.32.
Variant type: single nucleotide variant.
Coding change: c.1722C>T on transcript NM_145798.3 (MANE Select); coding-DNA position 1722, C replaced by T.
Protein change: p.Arg574=; no amino-acid change (arginine 574 retained).
Molecular consequence: synonymous variant.
Genome position (GRCh38, 1-based): chr17:47,813,281, G>A on the plus strand (C>T on the coding strand, the complement: OSBPL7 is on the minus strand). VCF-style: chr17-47813281-G-A. GRCh37 (hg19) VCF-style: chr17-45890647-G-A.
Identifiers: ClinVar variation 2647878 (VCV002647878.24), dbSNP rs2508911465, ClinGen allele CA500452779.

ClinVar aggregate classification (germline): Likely benign (1 of 4 stars; one submission).

Allele frequency attached by ClinVar (database versions not stated): gnomAD exomes below 0.00001.
gnomAD v4.1: 1 of 1,614,002 alleles (0.000062%); highest among the groups gnomAD compares: Non-Finnish European, 0.000085%; no homozygotes.

Submission:

CeGaT Center for Human Genetics Tuebingen
Classification: Likely benign. Last evaluated: 2022-03-01. Review status: criteria provided, single submitter. Criteria: CeGaT Center For Human Genetics Tuebingen Variant Classification Criteria Version 2. Collection method: clinical testing. Allele origin: germline. Affected: yes. Observed: 1 variant allele.
Comment: OSBPL7: PM2:Supporting, BP4, BP7